The following is an entry in ClinVar:

ClinVar aggregate classification (germline): Benign/Likely benign. Review status: criteria provided, multiple submitters, no conflicts (2 of 4 stars). 4 submissions from 4 submitters: Benign (1); Likely benign (3). Last evaluated 2025-01-31.

Conditions:
Lynch syndrome. Identifiers: Orphanet 144, MedGen C4552100, MONDO:0005835. Disease mechanism: loss of function.
Hereditary cancer-predisposing syndrome. Also called: Neoplastic Syndromes, Hereditary; Tumor predisposition; Hereditary Cancer Syndrome; Hereditary neoplastic syndrome. Identifiers: Orphanet 140162, MedGen C0027672, MeSH D009386, MONDO:0015356.
Lynch syndrome 4 (LYNCH4). Also called: Colorectal cancer, hereditary nonpolyposis, type 4; Hereditary non-polyposis colorectal cancer, type 4. Identifiers: Orphanet 144, MedGen C1838333, MONDO:0013699, OMIM 614337. Disease mechanism: loss of function.

Submissions (4):

Myriad Genetics, Inc.
Classification: Benign for Lynch syndrome 4. Last evaluated: 2025-01-31. Review status: criteria provided, single submitter. Criteria: Myriad Autosomal Dominant, Autosomal Recessive and X-Linked Classification Criteria (2023). Collection method: clinical testing. Allele origin: unknown.
Comment: This variant is considered benign. This variant is a silent/synonymous amino acid change and it is not expected to impact splicing.

All of Us Research Program, National Institutes of Health
Classification: Likely benign for Lynch syndrome. Last evaluated: 2023-08-15. Review status: criteria provided, single submitter. Criteria: ACMG Guidelines, 2015. Collection method: clinical testing. Allele origin: germline. Inheritance: Autosomal dominant inheritance. Observed: 1 variant allele, 1 heterozygote.
Comment: This study involves interpretation of variants in research participants for the purpose of population health screening. Participant phenotype was not available at the time of variant classification. Additional details can be found in publication PMID: 35346344, PMCID: PMC8962531

Color Diagnostics, LLC DBA Color Health
Classification: Likely benign for Hereditary cancer-predisposing syndrome. Last evaluated: 2019-01-02. Review status: criteria provided, single submitter. Criteria: ACMG Guidelines, 2015. Collection method: clinical testing. Allele origin: germline.

Ambry Genetics
Classification: Likely benign for Hereditary cancer-predisposing syndrome. Last evaluated: 2017-05-18. Review status: criteria provided, single submitter. Criteria: Ambry Variant Classification Scheme 2023. Collection method: clinical testing. Allele origin: germline.

NM_000535.7(PMS2):c.1626T>C (p.Thr542=)

Gene: PMS2 (PMS1 homolog 2, mismatch repair system component; minus strand). Cytogenetic location: 7p22.1.
Variant type: single nucleotide variant.
Coding change: c.1626T>C on transcript NM_000535.7 (MANE Select); coding-DNA position 1626, T replaced by C.
Protein change: p.Thr542=; no amino-acid change (threonine 542 retained).
Molecular consequence: synonymous variant. On other transcripts: non-coding transcript variant (1).
Genome position (GRCh38, 1-based): chr7:5,987,139, A>G on the plus strand (T>C on the coding strand, the complement: PMS2 is on the minus strand). VCF-style: chr7-5987139-A-G. GRCh37 (hg19) VCF-style: chr7-6026770-A-G.
Other names: c.1221T>C, p.Thr407= (NM_001322003.2, NM_001322004.2, NM_001322005.2 and 1 more transcripts); c.1470T>C, p.Thr490= (NM_001322006.2); c.1308T>C, p.Thr436= (NM_001322007.2, NM_001322008.2); c.1065T>C, p.Thr355= (NM_001322010.2); c.693T>C, p.Thr231= (NM_001322011.2, NM_001322012.2); c.1053T>C, p.Thr351= (NM_001322013.2); c.1626T>C, p.Thr542= (NM_001322014.2); c.1317T>C, p.Thr439= (NM_001322015.2).
Identifiers: ClinVar variation 484315 (VCV000484315.9), dbSNP rs1554297442, ClinGen allele CA453746443.